The following is an entry in ClinVar:

ClinVar aggregate classification (germline): Uncertain significance. Review status: criteria provided, multiple submitters, no conflicts (2 of 4 stars). 2 submissions from 2 submitters: Uncertain significance (2). Last evaluated 2022-06-20.

Conditions:
Dilated cardiomyopathy 1II (CMD1II). Identifiers: Orphanet 154, MedGen C3554649, MONDO:0014073, OMIM 615184.

Submissions (2):

Labcorp Genetics (formerly Invitae), Labcorp
Classification: Uncertain significance for Dilated cardiomyopathy 1II. Last evaluated: 2022-06-20. Review status: criteria provided, single submitter. Criteria: Invitae Variant Classification Sherloc (09022015). Collection method: clinical testing. Allele origin: germline.
Comment: In summary, the available evidence is currently insufficient to determine the role of this variant in disease. Therefore, it has been classified as a Variant of Uncertain Significance. Algorithms developed to predict the effect of missense changes on protein structure and function are either unavailable or do not agree on the potential impact of this missense change (SIFT: "Deleterious"; PolyPhen-2: "Probably Damaging"; Align-GVGD: "Class C0"). This variant has not been reported in the literature in individuals affected with CRYAB-related conditions. This variant is not present in population databases (gnomAD no frequency). This sequence change replaces isoleucine, which is neutral and non-polar, with asparagine, which is neutral and polar, at codon 159 of the CRYAB protein (p.Ile159Asn).

Revvity Omics, Revvity
Classification: Uncertain significance. Last evaluated: 2019-10-04. Review status: criteria provided, single submitter. Criteria: ACMG Guidelines, 2015. Collection method: clinical testing. Allele origin: germline.

NM_001289808.2(CRYAB):c.476T>A (p.Ile159Asn)

Gene: CRYAB (crystallin alpha B; minus strand). Cytogenetic location: 11q23.1.
Variant type: single nucleotide variant.
Coding change: c.476T>A on transcript NM_001289808.2 (MANE Select); coding-DNA position 476, T replaced by A.
Protein change: p.Ile159Asn; replaces isoleucine 159 with asparagine.
Molecular consequence: missense variant.
Genome position (GRCh38, 1-based): chr11:111,908,816, A>T on the plus strand (T>A on the coding strand, the complement: CRYAB is on the minus strand). VCF-style: chr11-111908816-A-T. GRCh37 (hg19) VCF-style: chr11-111779540-A-T.
Other names: c.476T>A (NM_001885.1); c.476T>A, p.Ile159Asn (NM_001289807.1, NM_001368245.1, NM_001885.3); c.275T>A, p.Ile92Asn (NM_001330379.1, NM_001368246.1); short protein forms I159N, I92N.
Identifiers: ClinVar variation 1372700 (VCV001372700.10), dbSNP rs782115863, ClinGen allele CA382595662.